The following is an entry in ClinVar:

NM_005751.5(AKAP9):c.10946C>A (p.Ala3649Asp)

Gene: AKAP9 (A-kinase anchoring protein 9; plus strand). Cytogenetic location: 7q21.2.
Variant type: single nucleotide variant.
Coding change: c.10946C>A on transcript NM_005751.5 (MANE Select); coding-DNA position 10946, C replaced by A.
Protein change: p.Ala3649Asp; replaces alanine 3649 with aspartic acid.
Molecular consequence: missense variant.
Genome position (GRCh38, 1-based): chr7:92,100,905, C>A. VCF-style: chr7-92100905-C-A. GRCh37 (hg19) VCF-style: chr7-91730219-C-A.
Other names: c.5591C>A, p.Ala1864Asp (NM_001379277.1); c.10922C>A, p.Ala3641Asp (NM_147185.3); short protein forms A3641D, A3649D, A1864D.
Identifiers: ClinVar variation 2128288 (VCV002128288.4), dbSNP rs2535311857, ClinGen allele CA368159638.

ClinVar aggregate classification (germline): Uncertain significance (1 of 4 stars; one submission).

Conditions:
Long QT syndrome (LQTS). Identifiers: MedGen C0023976, MeSH D008133, MONDO:0002442. Disease mechanism: loss of function. Inheritance: Various modes of inheritance.

Submission:

Labcorp Genetics (formerly Invitae), Labcorp
Classification: Uncertain significance for Long QT syndrome. Last evaluated: 2022-04-20. Review status: criteria provided, single submitter. Criteria: Invitae Variant Classification Sherloc (09022015). Collection method: clinical testing. Allele origin: germline.
Comment: This variant is not present in population databases (gnomAD no frequency). In summary, the available evidence is currently insufficient to determine the role of this variant in disease. Therefore, it has been classified as a Variant of Uncertain Significance. Algorithms developed to predict the effect of missense changes on protein structure and function are either unavailable or do not agree on the potential impact of this missense change (SIFT: "Deleterious"; PolyPhen-2: "Possibly Damaging"; Align-GVGD: "Class C0"). This variant has not been reported in the literature in individuals affected with AKAP9-related conditions. This sequence change replaces alanine, which is neutral and non-polar, with aspartic acid, which is acidic and polar, at codon 3649 of the AKAP9 protein (p.Ala3649Asp).